The following is an entry in ClinVar:

NM_006031.6(PCNT):c.1995G>T (p.Glu665Asp)

Gene: PCNT (pericentrin; plus strand). Cytogenetic location: 21q22.3.
Variant type: single nucleotide variant.
Coding change: c.1995G>T on transcript NM_006031.6 (MANE Select); coding-DNA position 1995, G replaced by T.
Protein change: p.Glu665Asp; replaces glutamic acid 665 with aspartic acid.
Molecular consequence: missense variant.
Genome position (GRCh38, 1-based): chr21:46,357,032, G>T. VCF-style: chr21-46357032-G-T. GRCh37 (hg19) VCF-style: chr21-47776947-G-T.
Other names: c.1641G>T, p.Glu547Asp (NM_001315529.2); short protein forms E665D, E547D.
Identifiers: ClinVar variation 449203 (VCV000449203.5), dbSNP rs768518510, ClinGen allele CA10078854.
Genomic context (GRCh38, chr21:46,357,032, plus strand): 5'-AGAGCTTCCCTGGGTGCATCTCCAGGGTGTGCAGGACGGGGACTTGGAGGCCGACACAGA[G>T]CGGGCAGCCAGAGTCTTGGGTCTGGAAACTGAGCACAAGGTGCAACTTTCGCTTCTTCAG-3'
Protein context (NP_006022.3, residues 655-675): VQDGDLEADT[Glu665Asp]RAARVLGLET

ClinVar aggregate classification (germline): Uncertain significance. Review status: criteria provided, multiple submitters, no conflicts (2 of 4 stars). 3 submissions from 3 submitters: Uncertain significance (2). 1 of the submissions does not count toward it. Last evaluated 2025-06-03.

Conditions:
PCNT-related disorder. Also called: PCNT-related condition.

Allele frequency attached by ClinVar (database versions not stated): TOPMed 0.00001; ExAC 0.00002; gnomAD 0.00003 and 0.00004.
gnomAD v4.1: 45 of 1,614,140 alleles (0.0028%); highest among the groups gnomAD compares: Non-Finnish European, 0.0035%; no homozygotes.

Submissions (3):

Labcorp Genetics (formerly Invitae), Labcorp
Classification: Uncertain significance. Last evaluated: 2025-06-03. Review status: criteria provided, single submitter. Criteria: Invitae Variant Classification Sherloc (09022015). Collection method: clinical testing. Allele origin: germline.
Comment: This sequence change replaces glutamic acid, which is acidic and polar, with aspartic acid, which is acidic and polar, at codon 665 of the PCNT protein (p.Glu665Asp). The frequency data for this variant in the population databases is considered unreliable, as metrics indicate poor data quality at this position in the gnomAD database. This variant has not been reported in the literature in individuals affected with PCNT-related conditions. ClinVar contains an entry for this variant (Variation ID: 449203). An algorithm developed to predict the effect of missense changes on protein structure and function (PolyPhen-2) suggests that this variant is likely to be disruptive. In summary, the available evidence is currently insufficient to determine the role of this variant in disease. Therefore, it has been classified as a Variant of Uncertain Significance.

GeneDx
Classification: Uncertain significance. Last evaluated: 2015-04-16. Review status: criteria provided, single submitter. Criteria: GeneDx Variant Classification (06012015). Collection method: clinical testing. Allele origin: germline. Affected: yes.
Comment: A variant of unknown significance has been identified in the PCNT gene. The E665D variant has not been published as a pathogenic variant, nor has it been reported as a benign polymorphism to our knowledge. It was not observed in approximately 6,500 individuals of European and African American ancestry in the NHLBI Exome Sequencing Project, indicating it is not a common benign variant in these populations. The E665D variant is a conservative amino acid substitution, which is not likely to impact secondary protein structure as these residues share similar properties. This substitution occurs at a position that is not conserved across species. In silico analysis predicts this variant likely does not alter the protein structure/function. Based on the currently available information, it is unclear whether this variant is a pathogenic variant or a rare benign variant.

PreventionGenetics, part of Exact Sciences
Classification: Uncertain significance for PCNT-related condition. Last evaluated: 2023-12-20. Review status: no assertion criteria provided. Collection method: clinical testing. Allele origin: germline. Not counted in ClinVar's aggregate classification.
Comment: The PCNT c.1995G>T variant is predicted to result in the amino acid substitution p.Glu665Asp. To our knowledge, this variant has not been reported in the literature. This variant is reported in 0.0056% of alleles in individuals of Latino descent in gnomAD. At this time, the clinical significance of this variant is uncertain due to the absence of conclusive functional and genetic evidence.